The following is an entry in ClinVar:

NM_004928.3(CFAP410):c.643-235G>A

Gene: CFAP410 (cilia and flagella associated protein 410; minus strand). Cytogenetic location: 21q22.3.
Variant type: single nucleotide variant.
Coding change: c.643-235G>A on transcript NM_004928.3 (MANE Select); 235 bases into the intron before coding-DNA position 643, G replaced by A.
Molecular consequence: intron variant. On other transcripts: missense variant (1).
Genome position (GRCh38, 1-based): chr21:44,330,561, C>T on the plus strand (G>A on the coding strand, the complement: CFAP410 is on the minus strand). VCF-style: chr21-44330561-C-T. GRCh37 (hg19) VCF-style: chr21-45750444-C-T.
Other names: c.901G>A (NM_001271441.1); c.901G>A, p.Gly301Arg (NM_001271441.2); c.640-235G>A (NM_001271440.2); c.517-235G>A (NM_001271442.1); short protein forms G301R.
Identifiers: ClinVar variation 1284560 (VCV001284560.7), dbSNP rs376270382, ClinGen allele CA10053542.
Genomic context (GRCh38, chr21:44,330,561, plus strand): 5'-GTGGACGCGTGTGTGGCACCTCTTCCACGTGACTCCTGTTGCCCTCAGCCCAGCAGGGCC[C>T]GGGCCCACATTCCACAGACCAGGACAGCAGGAGAGGCTGAGGGGCCAGGACGGCTCCGTG-3'

ClinVar aggregate classification (germline): Likely benign. Review status: criteria provided, multiple submitters, no conflicts (2 of 4 stars). 5 submissions from 5 submitters: Likely benign (2). 3 of the submissions do not count toward it. Last evaluated 2024-09-24.

Conditions:
CFAP410-related disorder. Also called: CFAP410-related condition.

Allele frequency attached by ClinVar (database versions not stated): gnomAD exomes 0.00043 and 0.00067; ExAC 0.00068; 1000 Genomes Project 30x 0.00250; 1000 Genomes Project 0.00260; gnomAD 0.00281 and 0.00302; TOPMed 0.00315.
gnomAD v4.1: 1,055 of 1,549,348 alleles (0.068%); highest among the groups gnomAD compares: African/African-American, 0.9%; 4 homozygotes.

Submissions (5):

Blueprint Genetics
Classification: Likely benign. Last evaluated: 2024-09-24. Review status: criteria provided, single submitter. Criteria: ACMG Guidelines, 2015. Collection method: clinical testing. Allele origin: germline.

Breakthrough Genomics
Classification: Likely benign. Review status: criteria provided, single submitter. Criteria: ACMG Guidelines, 2015. Collection method: not provided. Allele origin: germline. Inheritance: Autosomal recessive inheritance. Affected: yes.

PreventionGenetics, part of Exact Sciences
Classification: Benign for CFAP410-related condition. Last evaluated: 2019-06-07. Review status: no assertion criteria provided. Collection method: clinical testing. Allele origin: germline. Not counted in ClinVar's aggregate classification.
Comment: This variant is classified as benign based on ACMG/AMP sequence variant interpretation guidelines (Richards et al. 2015 PMID: 25741868, with internal and published modifications).

Clinical Genetics DNA and cytogenetics Diagnostics Lab, Erasmus MC, Erasmus Medical Center
Classification: Benign. Review status: no assertion criteria provided. Collection method: clinical testing. Allele origin: germline. Affected: yes. Study: VKGL Data-share Consensus. Not counted in ClinVar's aggregate classification.

Clinical Genetics, Academic Medical Center
Classification: Benign. Review status: no assertion criteria provided. Collection method: clinical testing. Allele origin: germline. Affected: yes. Study: VKGL Data-share Consensus. Not counted in ClinVar's aggregate classification.